The following is an entry in ClinVar:

ClinVar aggregate classification (germline): Uncertain significance (1 of 4 stars; one submission).

Conditions:
Cowden syndrome 6 (CWS6). Identifiers: Orphanet 201, MedGen C3554519, MONDO:0014048, OMIM 615109.

Allele frequency attached by ClinVar (database versions not stated): ExAC 0.00001; gnomAD 0.00001; gnomAD exomes 0.00001; TOPMed 0.00002.
gnomAD v4.1: 9 of 1,613,834 alleles (0.00056%); highest among the groups gnomAD compares: Admixed American, 0.0017%; no homozygotes.

Submission:

Labcorp Genetics (formerly Invitae), Labcorp
Classification: Uncertain significance for Cowden syndrome 6. Last evaluated: 2022-08-05. Review status: criteria provided, single submitter. Criteria: Invitae Variant Classification Sherloc (09022015). Collection method: clinical testing. Allele origin: germline.
Comment: This sequence change replaces arginine, which is basic and polar, with histidine, which is basic and polar, at codon 370 of the AKT1 protein (p.Arg370His). This variant is present in population databases (rs746272761, gnomAD 0.003%). This variant has not been reported in the literature in individuals affected with AKT1-related conditions. ClinVar contains an entry for this variant (Variation ID: 582264). Algorithms developed to predict the effect of missense changes on protein structure and function are either unavailable or do not agree on the potential impact of this missense change (SIFT: "Deleterious"; PolyPhen-2: "Benign"; Align-GVGD: "Class C0"). In summary, the available evidence is currently insufficient to determine the role of this variant in disease. Therefore, it has been classified as a Variant of Uncertain Significance.

NM_001382430.1(AKT1):c.1109G>A (p.Arg370His)

Gene: AKT1 (AKT serine/threonine kinase 1; minus strand). Cytogenetic location: 14q32.33.
Variant type: single nucleotide variant.
Coding change: c.1109G>A on transcript NM_001382430.1 (MANE Select); coding-DNA position 1109, G replaced by A.
Protein change: p.Arg370His; replaces arginine 370 with histidine.
Molecular consequence: missense variant.
Genome position (GRCh38, 1-based): chr14:104,772,941, C>T on the plus strand (G>A on the coding strand, the complement: AKT1 is on the minus strand). VCF-style: chr14-104772941-C-T. GRCh37 (hg19) VCF-style: chr14-105239278-C-T.
Other names: c.1109G>A, p.Arg370His (NM_001014431.2, NM_001014432.2, NM_001382431.1 and 3 more transcripts); short protein forms R370H.
Identifiers: ClinVar variation 582264 (VCV000582264.9), dbSNP rs746272761, ClinGen allele CA7374568.
Genomic context (GRCh38, chr14:104,772,941, plus strand): 5'-TGCTTGGGGTCCTTCTTGAGCAGCCCTGAAAGCAAGGACTTGGCCTCGGGACCAAGCGTG[C>T]GCGGGAAGCGGATCTCCTCCATGAGGATGAGCTCAAAAAGCTTCTCATGGTCCTGGTTGT-3'
Protein context (NP_001369359.1, residues 360-380): LILMEEIRFP[Arg370His]TLGPEAKSLL